The following is an entry in ClinVar:

ClinVar aggregate classification (germline): Uncertain significance. Review status: criteria provided, multiple submitters, no conflicts (2 of 4 stars). 3 submissions from 3 submitters: Uncertain significance (3). Last evaluated 2025-03-18.

Conditions:
Familial thoracic aortic aneurysm and aortic dissection (TAAD). Also called: Thoracic aortic aneurysms and dissections. Identifiers: Orphanet 91387, MedGen C4707243, MONDO:0019625.
Marfan syndrome (MFS). Also called: Marfan syndrome type 1; Marfan's syndrome; Marfan syndrome, classic; MARFAN SYNDROME, TYPE I; FBN1-Related Marfan Syndrome. Identifiers: Orphanet 284963, Orphanet 558, MedGen C0024796, MONDO:0007947, OMIM 154700.

Allele frequency attached by ClinVar (database versions not stated): gnomAD exomes below 0.00001; ExAC 0.00001.
gnomAD v4.1: 6 of 1,614,148 alleles (0.00037%); highest among the groups gnomAD compares: South Asian, 0.0066%; no homozygotes.

Submissions (3):

Ambry Genetics
Classification: Uncertain significance for Familial thoracic aortic aneurysm and aortic dissection. Last evaluated: 2025-03-18. Review status: criteria provided, single submitter. Criteria: Ambry Variant Classification Scheme 2023. Collection method: clinical testing. Allele origin: germline.
Comment: The p.A881T variant (also known as c.2641G>A), located in coding exon 21 of the FBN1 gene, results from a G to A substitution at nucleotide position 2641. The alanine at codon 881 is replaced by threonine, an amino acid with similar properties. This amino acid position is well conserved in available vertebrate species. In addition, the in silico prediction for this alteration is inconclusive. Based on the available evidence, the clinical significance of this variant remains unclear.

Labcorp Genetics (formerly Invitae), Labcorp
Classification: Uncertain significance for Marfan syndrome; Familial thoracic aortic aneurysm and aortic dissection. Last evaluated: 2022-09-26. Review status: criteria provided, single submitter. Criteria: Invitae Variant Classification Sherloc (09022015). Collection method: clinical testing. Allele origin: germline.
Comment: This sequence change replaces alanine, which is neutral and non-polar, with threonine, which is neutral and polar, at codon 881 of the FBN1 protein (p.Ala881Thr). This variant is present in population databases (rs781682561, gnomAD 0.003%). This variant has not been reported in the literature in individuals affected with FBN1-related conditions. ClinVar contains an entry for this variant (Variation ID: 1163974). Advanced modeling of protein sequence and biophysical properties (such as structural, functional, and spatial information, amino acid conservation, physicochemical variation, residue mobility, and thermodynamic stability) has been performed at Invitae for this missense variant, however the output from this modeling did not meet the statistical confidence thresholds required to predict the impact of this variant on FBN1 protein function. In summary, the available evidence is currently insufficient to determine the role of this variant in disease. Therefore, it has been classified as a Variant of Uncertain Significance.

Mayo Clinic Laboratories, Mayo Clinic
Classification: Uncertain significance. Last evaluated: 2019-10-27. Review status: criteria provided, single submitter. Criteria: ACMG Guidelines, 2015. Collection method: clinical testing. Allele origin: germline. Observed: 1 variant allele.

NM_000138.5(FBN1):c.2641G>A (p.Ala881Thr)

Gene: FBN1 (fibrillin 1; minus strand). Cytogenetic location: 15q21.1.
Variant type: single nucleotide variant.
Coding change: c.2641G>A on transcript NM_000138.5 (MANE Select); coding-DNA position 2641, G replaced by A.
Protein change: p.Ala881Thr; replaces alanine 881 with threonine.
Molecular consequence: missense variant.
Genome position (GRCh38, 1-based): chr15:48,495,159, C>T on the plus strand (G>A on the coding strand, the complement: FBN1 is on the minus strand). VCF-style: chr15-48495159-C-T. GRCh37 (hg19) VCF-style: chr15-48787356-C-T.
Other names: short protein forms A881T.
Identifiers: ClinVar variation 1163974 (VCV001163974.10), dbSNP rs781682561, ClinGen allele CA048291.